The following is an entry in ClinVar:

NM_001267550.2(TTN):c.14525G>A (p.Arg4842Lys)

Gene: TTN (titin; minus strand). Cytogenetic location: 2q31.2.
Variant type: single nucleotide variant.
Coding change: c.14525G>A on transcript NM_001267550.2 (MANE Select); coding-DNA position 14525, G replaced by A.
Protein change: p.Arg4842Lys; replaces arginine 4842 with lysine.
Molecular consequence: missense variant. On other transcripts: intron variant (3).
Genome position (GRCh38, 1-based): chr2:178,735,921, C>T on the plus strand (G>A on the coding strand, the complement: TTN is on the minus strand). VCF-style: chr2-178735921-C-T. GRCh37 (hg19) VCF-style: chr2-179600648-C-T.
Other names: p.R4525K:AGG>AAG; c.13574G>A, p.Arg4525Lys (NM_001256850.1); c.10793G>A, p.Arg3598Lys (NM_133378.4); c.13282+2161G>A (NM_003319.4); c.13858+2161G>A (NM_133437.4); c.13657+2161G>A (NM_133432.3); short protein forms R4842K, R3598K, R4525K.
Identifiers: ClinVar variation 46586 (VCV000046586.37), dbSNP rs2742347, ClinGen allele CA282661.

ClinVar aggregate classification (germline): Benign/Likely benign. Review status: criteria provided, multiple submitters, no conflicts (2 of 4 stars). 24 submissions from 17 submitters: Benign (20); Likely benign (2). 2 of the submissions do not count toward it. Last evaluated 2026-03-27.

Conditions:
Cardiovascular phenotype. Identifiers: MedGen CN230736.
Dilated cardiomyopathy 1G (CMD1G). Identifiers: Orphanet 154, MedGen C1858763, MONDO:0011400, OMIM 604145.
Autosomal recessive limb-girdle muscular dystrophy type 2J (LGMDR10). Also called: MUSCULAR DYSTROPHY, LIMB-GIRDLE, AUTOSOMAL RECESSIVE 10; Limb-girdle muscular dystrophy, type 2J. Identifiers: Orphanet 140922, MedGen C1837342, MONDO:0012127, OMIM 608807.
Early-onset myopathy with fatal cardiomyopathy (CMYO5). Also called: CONGENITAL MYOPATHY 5 WITH CARDIOMYOPATHY; Salih Myopathy. Identifiers: Orphanet 289377, MedGen C2673677, MONDO:0012714, OMIM 611705. Disease mechanism: loss of function.
Myopathy, myofibrillar, 9, with early respiratory failure (MFM9). Also called: Myopathy, distal, with early respiratory failure, autosomal dominant; Hereditary myopathy with early respiratory failure; MYOPATHY, PROXIMAL, WITH EARLY RESPIRATORY MUSCLE INVOLVEMENT; EDSTROM MYOPATHY. Identifiers: Orphanet 178464, Orphanet 34521, MedGen C1863599, MONDO:0011362, OMIM 603689.
Tibial muscular dystrophy (TMD). Also called: Udd Distal Myopathy – Tibial Muscular Dystrophy; Tibial muscular dystrophy, tardive; UDD MYOPATHY. Identifiers: Orphanet 609, MedGen C1838244, MONDO:0010870, OMIM 600334.

Allele frequency attached by ClinVar (database versions not stated): gnomAD 0.11354 and 0.11222; ESP Exome Variant Server 0.09744; gnomAD exomes 0.09954 and 0.06185; TOPMed 0.13035; 1000 Genomes Project 0.14477; 1000 Genomes Project 30x 0.14834; ExAC 0.09586.
gnomAD v4.1: 108,000 of 1,613,726 alleles (6.7%); highest among the groups gnomAD compares: Admixed American, 22%; 6,116 homozygotes.

Submissions (24):

Molecular Diagnostic Laboratory for Inherited Cardiovascular Disease, Montreal Heart Institute
Classification: Benign. Last evaluated: 2026-03-27. Review status: criteria provided, single submitter. Criteria: ACMG Guidelines, 2015. Collection method: clinical testing. Allele origin: germline. Affected: no.
Comment: BA1

Labcorp Genetics (formerly Invitae), Labcorp
Classification: Benign for Dilated cardiomyopathy 1G; Autosomal recessive limb-girdle muscular dystrophy type 2J. Last evaluated: 2026-02-04. Review status: criteria provided, single submitter. Criteria: Invitae Variant Classification Sherloc (09022015). Collection method: clinical testing. Allele origin: germline.

Genome-Nilou Lab
Classification: Benign for Autosomal recessive limb-girdle muscular dystrophy type 2J. Last evaluated: 2021-09-10. Review status: criteria provided, single submitter. Criteria: ACMG Guidelines, 2015. Collection method: clinical testing. Allele origin: germline. Affected: no.

Genome-Nilou Lab
Classification: Benign for Myopathy, myofibrillar, 9, with early respiratory failure. Last evaluated: 2021-09-10. Review status: criteria provided, single submitter. Criteria: ACMG Guidelines, 2015. Collection method: clinical testing. Allele origin: germline. Affected: no.

Genome-Nilou Lab
Classification: Benign for Early-onset myopathy with fatal cardiomyopathy. Last evaluated: 2021-09-10. Review status: criteria provided, single submitter. Criteria: ACMG Guidelines, 2015. Collection method: clinical testing. Allele origin: germline. Affected: no.

Genome-Nilou Lab
Classification: Benign for Tibial muscular dystrophy. Last evaluated: 2021-09-10. Review status: criteria provided, single submitter. Criteria: ACMG Guidelines, 2015. Collection method: clinical testing. Allele origin: germline. Affected: no.

Women's Health and Genetics/Laboratory Corporation of America, LabCorp
Classification: Likely benign. Last evaluated: 2020-08-18. Review status: criteria provided, single submitter. Criteria: LabCorp Variant Classification Summary - May 2015. Collection method: clinical testing. Allele origin: germline.

Athena Diagnostics
Classification: Benign. Last evaluated: 2018-12-17. Review status: criteria provided, single submitter. Criteria: Athena Diagnostics Criteria. Collection method: clinical testing. Allele origin: germline.

Illumina Laboratory Services, Illumina
Classification: Benign for Tibial muscular dystrophy. Last evaluated: 2018-01-13. Review status: criteria provided, single submitter. Criteria: ICSL Variant Classification Criteria 13 December 2019. Collection method: clinical testing. Allele origin: germline.
Comment: This variant was observed in the ICSL laboratory as part of a predisposition screen in an ostensibly healthy population. It had not been previously curated by ICSL or reported in the Human Gene Mutation Database (HGMD: prior to June 1st, 2018), and was therefore a candidate for classification through an automated scoring system. Utilizing variant allele frequency, disease prevalence and penetrance estimates, and inheritance mode, an automated score was calculated to assess if this variant is too frequent to cause the disease. Based on the score and internal cut-off values, a variant classified as benign is not then subjected to further curation. The score for this variant resulted in a classification of benign for this disease.

Illumina Laboratory Services, Illumina
Classification: Benign for Myopathy, myofibrillar, 9, with early respiratory failure. Last evaluated: 2018-01-13. Review status: criteria provided, single submitter. Criteria: ICSL Variant Classification Criteria 13 December 2019. Collection method: clinical testing. Allele origin: germline.
Comment: the same text as in the submission from Illumina Laboratory Services, Illumina above.

Illumina Laboratory Services, Illumina
Classification: Benign for Autosomal recessive limb-girdle muscular dystrophy type 2J. Last evaluated: 2018-01-13. Review status: criteria provided, single submitter. Criteria: ICSL Variant Classification Criteria 13 December 2019. Collection method: clinical testing. Allele origin: germline.
Comment: the same text as in the submission from Illumina Laboratory Services, Illumina above.

Illumina Laboratory Services, Illumina
Classification: Benign for Dilated cardiomyopathy 1G. Last evaluated: 2018-01-13. Review status: criteria provided, single submitter. Criteria: ICSL Variant Classification Criteria 13 December 2019. Collection method: clinical testing. Allele origin: germline.
Comment: the same text as in the submission from Illumina Laboratory Services, Illumina above.

Illumina Laboratory Services, Illumina
Classification: Benign for Early-onset myopathy with fatal cardiomyopathy. Last evaluated: 2018-01-13. Review status: criteria provided, single submitter. Criteria: ICSL Variant Classification Criteria 13 December 2019. Collection method: clinical testing. Allele origin: germline.
Comment: the same text as in the submission from Illumina Laboratory Services, Illumina above.

Mayo Clinic Laboratories, Mayo Clinic
Classification: Benign. Last evaluated: 2017-07-25. Review status: criteria provided, single submitter. Criteria: ACMG Guidelines, 2015. Collection method: clinical testing. Allele origin: germline. Observed: 380 variant alleles.

Genetic Services Laboratory, University of Chicago
Classification: Benign for AllHighlyPenetrant. Last evaluated: 2013-08-15. Review status: criteria provided, single submitter. Criteria: ACMG Guidelines, 2007. Collection method: clinical testing. Allele origin: germline.

Biesecker Lab/Clinical Genomics Section, National Institutes of Health
Classification: Benign. Last evaluated: 2013-06-24. Review status: criteria provided, single submitter. Criteria: Ng et al. (Circ Cardiovasc Genet. 2013). Collection method: research. Allele origin: unknown. Observed: 80 variant alleles. Study: ClinSeq.
Comment: The study set was not selected for affection status in relation to any cancer. Pathogenicity categories were based on literature curation. See Pubmed ID:23861362 for details.

Medical sequencing

Eurofins Ntd Llc (ga)
Classification: Benign. Last evaluated: 2013-05-29. Review status: criteria provided, single submitter. Criteria: EGL Classification Definitions 2015. Collection method: clinical testing. Allele origin: germline. Observed: 2 variant alleles, 2 heterozygotes.

GeneDx
Classification: Benign. Last evaluated: 2012-10-19. Review status: criteria provided, single submitter. Criteria: GeneDx Variant Classification (06012015). Collection method: clinical testing. Allele origin: germline. Affected: yes.
Comment: This variant is considered likely benign or benign based on one or more of the following criteria: it is a conservative change, it occurs at a poorly conserved position in the protein, it is predicted to be benign by multiple in silico algorithms, and/or has population frequency not consistent with disease.

Ambry Genetics
Classification: Benign for Cardiovascular phenotype. Last evaluated: 2012-08-23. Review status: criteria provided, single submitter. Criteria: Ambry Autosomal Dominant and X-Linked criteria (10/2015). Collection method: clinical testing. Allele origin: germline. Observed: 1 variant allele.

Laboratory for Molecular Medicine, Mass General Brigham Personalized Medicine
Classification: Benign. Last evaluated: 2012-01-24. Review status: criteria provided, single submitter. Criteria: LMM Criteria. Collection method: clinical testing. Allele origin: germline. Observed: 266 variant alleles.
Comment: Classified as benign based on high population frequency

Breakthrough Genomics
Classification: Likely benign. Review status: criteria provided, single submitter. Criteria: ACMG Guidelines, 2015. Collection method: not provided. Allele origin: germline. Inheritance: Autosomal recessive inheritance. Affected: yes.

PreventionGenetics, part of Exact Sciences
Classification: Benign. Review status: criteria provided, single submitter. Criteria: ACMG Guidelines, 2015. Collection method: clinical testing. Allele origin: germline.

Clinical Genetics DNA and cytogenetics Diagnostics Lab, Erasmus MC, Erasmus Medical Center
Classification: Benign. Review status: no assertion criteria provided. Collection method: clinical testing. Allele origin: germline. Affected: yes. Study: VKGL Data-share Consensus. Not counted in ClinVar's aggregate classification.

Clinical Genetics, Academic Medical Center
Classification: Benign. Review status: no assertion criteria provided. Collection method: clinical testing. Allele origin: germline. Affected: yes. Study: VKGL Data-share Consensus. Not counted in ClinVar's aggregate classification.